The following is an entry in ClinVar:

ClinVar aggregate classification (germline): Uncertain significance (1 of 4 stars; one submission).

Allele frequency attached by ClinVar (database versions not stated): gnomAD exomes below 0.00001; ExAC 0.00001.
gnomAD v4.1: 2 of 1,411,856 alleles (0.00014%); highest among the groups gnomAD compares: South Asian, 0.0017%; no homozygotes.

Submission:

Labcorp Genetics (formerly Invitae), Labcorp
Classification: Uncertain significance. Last evaluated: 2023-09-26. Review status: criteria provided, single submitter. Criteria: Invitae Variant Classification Sherloc (09022015). Collection method: clinical testing. Allele origin: germline.
Comment: This sequence change falls in intron 8 of the PPP3CA gene. It does not directly change the encoded amino acid sequence of the PPP3CA protein. It affects a nucleotide within the consensus splice site. This variant is present in population databases (rs761232472, gnomAD 0.004%). This variant has not been reported in the literature in individuals affected with PPP3CA-related conditions. Variants that disrupt the consensus splice site are a relatively common cause of aberrant splicing (PMID: 17576681, 9536098). Algorithms developed to predict the effect of sequence changes on RNA splicing suggest that this variant is not likely to affect RNA splicing. In summary, the available evidence is currently insufficient to determine the role of this variant in disease. Therefore, it has been classified as a Variant of Uncertain Significance.

Literature cited by the submitters: PubMed 17576681; PubMed 9536098.

NM_000944.5(PPP3CA):c.955+5G>A

Gene: PPP3CA (protein phosphatase 3 catalytic subunit alpha; minus strand). Cytogenetic location: 4q24.
Variant type: single nucleotide variant.
Coding change: c.955+5G>A on transcript NM_000944.5 (MANE Select); 5 bases into the intron after coding-DNA position 955, G replaced by A.
Molecular consequence: intron variant.
Genome position (GRCh38, 1-based): chr4:101,080,527, C>T on the plus strand (G>A on the coding strand, the complement: PPP3CA is on the minus strand). VCF-style: chr4-101080527-C-T. GRCh37 (hg19) VCF-style: chr4-102001684-C-T.
Other names: c.955+5G>A (NM_001130692.2, NM_001130691.2).
Identifiers: ClinVar variation 2788782 (VCV002788782.3), dbSNP rs761232472, ClinGen allele CA3024379.
Genomic context (GRCh38, chr4:101,080,527, plus strand): 5'-TAAAACGGCTTAAGAATTATTACACATATTATGTAAGACTGCAAGAGGTATTTAAAAACA[C>T]TTACCTTTGTTATTGTATACATCTAAGTAATTTGGTGCTGAAAAAATTGTAATTAGAGAA-3'